The following is an entry in ClinVar:

NM_000059.4(BRCA2):c.5807_5816delinsGTC (p.Met1936fs)

Gene: BRCA2 (BRCA2 DNA repair associated; plus strand). Cytogenetic location: 13q13.1.
Variant type: Indel.
Coding change: c.5807_5816delinsGTC on transcript NM_000059.4 (MANE Select); coding-DNA positions 5807 to 5816, TGTCTGGATT replaced by GTC.
Protein change: p.Met1936fs; shifts the reading frame from methionine 1936.
Molecular consequence: frameshift variant.
Genome position (GRCh38, 1-based): chr13:32,340,162-32,340,171, TGTCTGGATT replaced by GTC. VCF-style: chr13-32340162-TGTCTGGATT-GTC. GRCh37 (hg19) VCF-style: chr13-32914299-TGTCTGGATT-GTC.
Other names: c.5807_5816delTGTCTGGATTinsGTC (NM_000059.3); short protein forms M1936fs.
Identifiers: ClinVar variation 485419 (VCV000485419.6), dbSNP rs1555284407, ClinGen allele CA658656404.

ClinVar aggregate classification (germline): Pathogenic. Review status: criteria provided, multiple submitters, no conflicts (2 of 4 stars). 2 submissions from 2 submitters: Pathogenic (2). Last evaluated 2021-04-23.

Conditions:
Hereditary cancer-predisposing syndrome. Also called: Neoplastic Syndromes, Hereditary; Tumor predisposition; Hereditary Cancer Syndrome; Hereditary neoplastic syndrome. Identifiers: Orphanet 140162, MedGen C0027672, MeSH D009386, MONDO:0015356.

Submissions (2):

Ambry Genetics
Classification: Pathogenic for Hereditary cancer-predisposing syndrome. Last evaluated: 2021-04-23. Review status: criteria provided, single submitter. Criteria: Ambry Variant Classification Scheme 2023. Collection method: clinical testing. Allele origin: germline.
Comment: The c.5807_5816del10insGTC variant, located in coding exon 10 of the BRCA2 gene, results from the deletion of 10 nucleotides and insertion of 3 nucleotides causing a translational frameshift with a predicted alternate stop codon (p.M1936Sfs*25). This alteration is expected to result in loss of function by premature protein truncation or nonsense-mediated mRNA decay. As such, this alteration is interpreted as a disease-causing mutation.

GeneDx
Classification: Pathogenic. Last evaluated: 2018-02-13. Review status: criteria provided, single submitter. Criteria: GeneDx Variant Classification (06012015). Collection method: clinical testing. Allele origin: germline. Affected: yes.
Comment: This combined deletion and insertion is denoted BRCA2 c.5807_5816del10insGTC at the cDNA level and p.Met1936SerfsX25 (M1936SfsX25) at the protein level. Using alternate nomenclature, this variant would be defined as BRCA2 6035_6044del10insGTC or 6035del10insGTC. The surrounding sequence is AATA[del10][insGTC]GGAG. The variant causes a frameshift which changes a Methionine to a Serine at codon 1936, and creates a premature stop codon at position 25 of the new reading frame. Although this variant has not, to our knowledge, been reported in the literature, it is predicted to cause loss of normal protein function through either protein truncation or nonsense-mediated mRNA decay. We consider this variant to be pathogenic.